The following is an entry in ClinVar:

ClinVar aggregate classification (germline): Benign (1 of 4 stars; one submission).

Allele frequency attached by ClinVar (database versions not stated): 1000 Genomes Project 30x 0.46986; gnomAD 0.47810 and 0.48329; 1000 Genomes Project 0.47025; TOPMed 0.46427.

Submission:

GeneDx
Classification: Benign. Last evaluated: 2018-06-14. Review status: criteria provided, single submitter. Criteria: GeneDx Variant Classification (06012015). Collection method: clinical testing. Allele origin: germline. Affected: yes.
Comment: This variant is considered likely benign or benign based on one or more of the following criteria: it is a conservative change, it occurs at a poorly conserved position in the protein, it is predicted to be benign by multiple in silico algorithms, and/or has population frequency not consistent with disease.

NM_032119.3(ADGRV1):c.-388A>G

Gene: ADGRV1 (adhesion G protein-coupled receptor V1; plus strand). Cytogenetic location: 5q14.3.
Variant type: single nucleotide variant.
Coding change: c.-388A>G on transcript NM_032119.3; 388 bases upstream of the start codon, A replaced by G.
Genome position (GRCh38, 1-based): chr5:90,558,508, A>G. VCF-style: chr5-90558508-A-G. GRCh37 (hg19) VCF-style: chr5-89854325-A-G.
Identifiers: ClinVar variation 671524 (VCV000671524.3), dbSNP rs154569, ClinGen allele CA11936511.
Genomic context (GRCh38, chr5:90,558,508, plus strand): 5'-AAAGGAGACGATTAGAAAGCACTGACCGCGCACTTACATTGGGACGCCCAGGCAGAGGCA[A>G]GACTCGCGCGCTCCTAAGCCGAGGCAGGTCAGCCTAGGCGCCTGGCTGCTGGAAGAGTCC-3'